The following is an entry in ClinVar:

NM_001042492.3(NF1):c.3299C>G (p.Ser1100Ter)

Gene: NF1 (neurofibromin 1; plus strand). Cytogenetic location: 17q11.2.
Variant type: single nucleotide variant.
Coding change: c.3299C>G on transcript NM_001042492.3 (MANE Select); coding-DNA position 3299, C replaced by G.
Protein change: p.Ser1100Ter; replaces serine 1100 with a stop codon.
Molecular consequence: nonsense.
Genome position (GRCh38, 1-based): chr17:31,232,174, C>G. VCF-style: chr17-31232174-C-G. GRCh37 (hg19) VCF-style: chr17-29559192-C-G.
Other names: c.3299C>G, p.Ser1100Ter (NM_000267.4); short protein forms S1100*.
Identifiers: ClinVar variation 1451936 (VCV001451936.7), dbSNP rs2067124341, ClinGen allele CA398988910.
Genomic context (GRCh38, chr17:31,232,174, plus strand): 5'-TAGCTGGTCTCCCTCTGCAGCCTGAAGAAGGAGATGGTGTGGAATTGATGGAAGCCAAAT[C>G]ACAGTTATTTCTTAAGTAAATTTCAGTCACCAAAAAACATAAAGCAAAAAGCAAATAAAG-3'

ClinVar aggregate classification (germline): Pathogenic. Review status: criteria provided, multiple submitters, no conflicts (2 of 4 stars). 2 submissions from 2 submitters: Pathogenic (2). Last evaluated 2025-10-23.

Conditions:
Hereditary cancer-predisposing syndrome. Also called: Tumor predisposition; Hereditary neoplastic syndrome; Hereditary Cancer Syndrome; Neoplastic Syndromes, Hereditary. Identifiers: Orphanet 140162, MedGen C0027672, MeSH D009386, MONDO:0015356.
Cardiovascular phenotype. Identifiers: MedGen CN230736.
Neurofibromatosis, type 1 (NF1). Also called: NEUROFIBROMATOSIS, TYPE I, SOMATIC; VON RECKLINGHAUSEN DISEASE; Peripheral type neurofibromatosis; Neurofibromatosis, type I. Identifiers: Orphanet 636, MedGen C0027831, MONDO:0018975, OMIM 162200. Disease mechanism: loss of function.

Submissions (2):

Labcorp Genetics (formerly Invitae), Labcorp
Classification: Pathogenic for Neurofibromatosis, type 1. Last evaluated: 2025-10-23. Review status: criteria provided, single submitter. Criteria: Invitae Variant Classification Sherloc (09022015). Collection method: clinical testing. Allele origin: germline.
Comment: This sequence change creates a premature translational stop signal (p.Ser1100*) in the NF1 gene. It is expected to result in an absent or disrupted protein product. Loss-of-function variants in NF1 are known to be pathogenic (PMID: 10712197, 23913538). This variant is not present in population databases (gnomAD no frequency). This variant has not been reported in the literature in individuals affected with NF1-related conditions. Invitae Evidence Modeling of clinical and family history, age, sex, and reported ancestry of multiple individuals with this NF1 variant has been performed. This variant is expected to be pathogenic with a positive predictive value of at least 99%. This is a validated machine learning model that incorporates the clinical features of 1,785,918 individuals referred to our laboratory for NF1 testing. ClinVar contains an entry for this variant (Variation ID: 1451936). For these reasons, this variant has been classified as Pathogenic.

Ambry Genetics
Classification: Pathogenic for Cardiovascular phenotype; Hereditary cancer-predisposing syndrome. Last evaluated: 2025-07-03. Review status: criteria provided, single submitter. Criteria: Ambry Variant Classification Scheme 2023. Collection method: clinical testing. Allele origin: germline.
Comment: The p.S1100* pathogenic mutation (also known as c.3299C>G), located in coding exon 25 of the NF1 gene, results from a C to G substitution at nucleotide position 3299. This changes the amino acid from a serine to a stop codon within coding exon 25. This variant was reported in an individual with features consistent with neurofibromatosis type 1 (NF1) (Moreno-Salgado R et al. Cancer Genet, 2023 Jun;274-275:72-74). This variant is considered to be rare based on population cohorts in the Genome Aggregation Database (gnomAD). This alteration is expected to result in loss of function by premature protein truncation or nonsense-mediated mRNA decay. As such, this alteration is interpreted as a disease-causing mutation.

Literature cited by the submitters: PubMed 10712197 (cited by Labcorp Genetics (formerly Invitae), Labcorp); PubMed 23913538 (cited by Labcorp Genetics (formerly Invitae), Labcorp); PubMed 37087941 (cited by Ambry Genetics).